The following is an entry in ClinVar:

ClinVar aggregate classification (germline): Benign/Likely benign. Review status: criteria provided, multiple submitters, no conflicts (2 of 4 stars). 2 submissions from 2 submitters: Benign (1); Likely benign (1). Last evaluated 2023-01-01.

Allele frequency attached by ClinVar (database versions not stated): TOPMed 0.00302; 1000 Genomes Project 30x 0.00344; ESP Exome Variant Server 0.00361; 1000 Genomes Project 0.00419; gnomAD exomes 0.00646 and 0.00983; gnomAD 0.00814 and 0.00846; ExAC 0.00909.
gnomAD v4.1: 10,665 of 1,612,126 alleles (0.66%); highest among the groups gnomAD compares: Non-Finnish European, 0.43%; 203 homozygotes.

Submissions (2):

CeGaT Center for Human Genetics Tuebingen
Classification: Likely benign. Last evaluated: 2023-01-01. Review status: criteria provided, single submitter. Criteria: CeGaT Center For Human Genetics Tuebingen Variant Classification Criteria Version 2. Collection method: clinical testing. Allele origin: germline. Affected: yes. Observed: 1 variant allele.
Comment: GPNMB: BS2

Labcorp Genetics (formerly Invitae), Labcorp
Classification: Benign. Last evaluated: 2019-12-31. Review status: criteria provided, single submitter. Criteria: Invitae Variant Classification Sherloc (09022015). Collection method: clinical testing. Allele origin: germline.

NM_002510.3(GPNMB):c.1663G>T (p.Glu555Ter)

Gene: GPNMB (glycoprotein nmb; plus strand). Cytogenetic location: 7p15.3.
Variant type: single nucleotide variant.
Coding change: c.1663G>T on transcript NM_002510.3 (MANE Select); coding-DNA position 1663, G replaced by T.
Protein change: p.Glu555Ter; replaces glutamic acid 555 with a stop codon.
Molecular consequence: nonsense.
Genome position (GRCh38, 1-based): chr7:23,274,204, G>T. VCF-style: chr7-23274204-G-T. GRCh37 (hg19) VCF-style: chr7-23313823-G-T.
Other names: c.1699G>T, p.Glu567Ter (NM_001005340.2); short protein forms E567*, E555*.
Identifiers: ClinVar variation 773209 (VCV000773209.28), dbSNP rs11537976, ClinGen allele CA4187835.